The following is an entry in ClinVar:

NM_000246.4(CIITA):c.53-5C>A

Gene: CIITA (class II major histocompatibility complex transactivator; plus strand). Cytogenetic location: 16p13.13.
Variant type: single nucleotide variant.
Coding change: c.53-5C>A on transcript NM_000246.4 (MANE Select); 5 bases into the intron before coding-DNA position 53, C replaced by A.
Molecular consequence: intron variant.
Genome position (GRCh38, 1-based): chr16:10,895,277, C>A. VCF-style: chr16-10895277-C-A. GRCh37 (hg19) VCF-style: chr16-10989134-C-A.
Other names: c.53-5C>A (NM_001286402.1, NM_001379332.1, NM_001379330.1 and 4 more transcripts); c.-20-5C>A (NM_001379334.1).
Identifiers: ClinVar variation 1101407 (VCV001101407.11), dbSNP rs1212936952, ClinGen allele CA621175769.

ClinVar aggregate classification (germline): Likely benign. Review status: criteria provided, single submitter (1 of 4 stars). 2 submissions from 2 submitters: Likely benign (1). 1 of the submissions does not count toward it. Last evaluated 2025-12-21.

Conditions:
CIITA-related disorder. Also called: CIITA-related condition.
MHC class II deficiency. Also called: BLS, TYPE II; Bare lymphocyte syndrome 2. Identifiers: Orphanet 572, MedGen C5447452, MONDO:0008855.

Allele frequency attached by ClinVar (database versions not stated): gnomAD 0.00001; gnomAD exomes 0.00001; TOPMed 0.00001.
gnomAD v4.1: 72 of 1,613,690 alleles (0.0045%); highest among the groups gnomAD compares: Non-Finnish European, 0.0055%; no homozygotes.

Submissions (2):

Labcorp Genetics (formerly Invitae), Labcorp
Classification: Likely benign for MHC class II deficiency. Last evaluated: 2025-12-21. Review status: criteria provided, single submitter. Criteria: Invitae Variant Classification Sherloc (09022015). Collection method: clinical testing. Allele origin: germline.

PreventionGenetics, part of Exact Sciences
Classification: Likely benign for CIITA-related condition. Last evaluated: 2020-02-21. Review status: no assertion criteria provided. Collection method: clinical testing. Allele origin: germline. Not counted in ClinVar's aggregate classification.
Comment: This variant is classified as likely benign based on ACMG/AMP sequence variant interpretation guidelines (Richards et al. 2015 PMID: 25741868, with internal and published modifications).